The following is an entry in ClinVar:

ClinVar aggregate classification (germline): Uncertain significance (1 of 4 stars; one submission).

Allele frequency attached by ClinVar (database versions not stated): TOPMed below 0.00001; gnomAD exomes 0.00001; gnomAD 0.00002; 1000 Genomes Project 30x 0.00016.
gnomAD v4.1: 11 of 1,612,038 alleles (0.00068%); highest among the groups gnomAD compares: Admixed American, 0.005%; no homozygotes.

Submission:

Labcorp Genetics (formerly Invitae), Labcorp
Classification: Uncertain significance. Last evaluated: 2023-09-23. Review status: criteria provided, single submitter. Criteria: Invitae Variant Classification Sherloc (09022015). Collection method: clinical testing. Allele origin: germline.
Comment: This variant is present in population databases (no rsID available, gnomAD 0.003%). This sequence change replaces threonine, which is neutral and polar, with methionine, which is neutral and non-polar, at codon 13 of the LRRC8A protein (p.Thr13Met). In summary, the available evidence is currently insufficient to determine the role of this variant in disease. Therefore, it has been classified as a Variant of Uncertain Significance. An algorithm developed to predict the effect of missense changes on protein structure and function (PolyPhen-2) suggests that this variant is likely to be disruptive. This variant has not been reported in the literature in individuals affected with LRRC8A-related conditions.

NM_019594.4(LRRC8A):c.38C>T (p.Thr13Met)

Gene: LRRC8A (leucine rich repeat containing 8 VRAC subunit A; plus strand). Cytogenetic location: 9q34.11.
Variant type: single nucleotide variant.
Coding change: c.38C>T on transcript NM_019594.4 (MANE Select); coding-DNA position 38, C replaced by T.
Protein change: p.Thr13Met; replaces threonine 13 with methionine.
Molecular consequence: missense variant.
Genome position (GRCh38, 1-based): chr9:128,907,202, C>T. VCF-style: chr9-128907202-C-T. GRCh37 (hg19) VCF-style: chr9-131669481-C-T.
Other names: c.38C>T, p.Thr13Met (NM_001127244.2, NM_001127245.2); short protein forms T13M.
Identifiers: ClinVar variation 3001427 (VCV003001427.3), dbSNP rs1297439083, ClinGen allele CA375071584.